The following is an entry in ClinVar:

NM_139276.3(STAT3):c.2288C>T (p.Ser763Leu)

Gene: STAT3 (signal transducer and activator of transcription 3; minus strand). Cytogenetic location: 17q21.2.
Variant type: single nucleotide variant.
Coding change: c.2288C>T on transcript NM_139276.3 (MANE Select); coding-DNA position 2288, C replaced by T.
Protein change: p.Ser763Leu; replaces serine 763 with leucine.
Molecular consequence: missense variant. On other transcripts: 3 prime UTR variant (7).
Genome position (GRCh38, 1-based): chr17:42,315,770, G>A on the plus strand (C>T on the coding strand, the complement: STAT3 is on the minus strand). VCF-style: chr17-42315770-G-A. GRCh37 (hg19) VCF-style: chr17-40467788-G-A.
Other names: c.2288C>T, p.Ser763Leu (NM_001369512.1, NM_001369513.1); c.2285C>T, p.Ser762Leu (NM_001369514.1, NM_001369516.1, NM_003150.4); c.*69C>T (NM_001369517.1, NM_001369518.1, NM_001369519.1 and 4 more transcripts); c.2204C>T, p.Ser735Leu (NM_001384984.1); c.2210C>T, p.Ser737Leu (NM_001384985.1); c.2267C>T, p.Ser756Leu (NM_001384987.1); c.2192C>T, p.Ser731Leu (NM_001384988.1); c.2189C>T, p.Ser730Leu (NM_001384989.1); and 3 more; short protein forms S763L, S762L, S730L, S731L, S735L, S737L, S743L, S754L.
Identifiers: ClinVar variation 515337 (VCV000515337.11), dbSNP rs140604473, ClinGen allele CA8575092.

ClinVar aggregate classification (germline): Benign/Likely benign. Review status: criteria provided, multiple submitters, no conflicts (2 of 4 stars). 4 submissions from 4 submitters: Benign (1); Likely benign (3). Last evaluated 2025-10-05.

Conditions:
Hyper-IgE recurrent infection syndrome 1, autosomal dominant. Also called: HYPER-IgE SYNDROME 1, AUTOSOMAL DOMINANT, WITH RECURRENT INFECTIONS; JOB SYNDROME; Job's Syndrome; Hyper-IgE recurrent infection syndrome 1; STAT3 Hyper IgE Syndrome. Identifiers: Orphanet 2314, MedGen C2936739, MONDO:0007818, OMIM 147060.
STAT3 gain of function. Identifiers: MedGen C4288261.
STAT3-related disorder. Also called: STAT3-related condition.

Allele frequency attached by ClinVar (database versions not stated): gnomAD exomes 0.00006 and 0.00014; TOPMed 0.00006; ESP Exome Variant Server 0.00008; 1000 Genomes Project 0.00020; ExAC 0.00021; 1000 Genomes Project 30x 0.00031.
gnomAD v4.1: 95 of 1,614,084 alleles (0.0059%); highest among the groups gnomAD compares: Non-Finnish European, 0.0073%; no homozygotes.

Submissions (4):

Labcorp Genetics (formerly Invitae), Labcorp
Classification: Benign for STAT3 gain of function; Hyper-IgE recurrent infection syndrome 1, autosomal dominant. Last evaluated: 2025-10-05. Review status: criteria provided, single submitter. Criteria: Invitae Variant Classification Sherloc (09022015). Collection method: clinical testing. Allele origin: germline.

PreventionGenetics, part of Exact Sciences
Classification: Likely benign for STAT3-related condition. Last evaluated: 2025-09-29. Review status: criteria provided, single submitter. Criteria: ACMG Guidelines, 2015. Collection method: clinical testing. Allele origin: germline.
Comment: This variant is classified as likely benign based on ACMG/AMP sequence variant interpretation guidelines (Richards et al. 2015 PMID: 25741868, with internal and published modifications).

Johns Hopkins Genomics, Johns Hopkins University
Classification: Likely benign. Last evaluated: 2021-06-07. Review status: criteria provided, single submitter. Criteria: ACMG Guidelines, 2015. Collection method: clinical testing. Allele origin: germline.

GeneDx
Classification: Likely benign. Last evaluated: 2018-02-14. Review status: criteria provided, single submitter. Criteria: GeneDx Variant Classification (06012015). Collection method: clinical testing. Allele origin: germline. Affected: yes.
Comment: This variant is considered likely benign or benign based on one or more of the following criteria: it is a conservative change, it occurs at a poorly conserved position in the protein, it is predicted to be benign by multiple in silico algorithms, and/or has population frequency not consistent with disease.